The following is an entry in ClinVar:

NM_004870.4(MPDU1):c.566_567del (p.Thr189fs)

Gene: MPDU1 (mannose-P-dolichol utilization defect 1; plus strand). Cytogenetic location: 17p13.1.
Variant type: Microsatellite.
Coding change: c.566_567del on transcript NM_004870.4 (MANE Select); coding-DNA positions 566 to 567, 2 bases deleted (CA; older notation c.566_567delCA).
Protein change: p.Thr189fs; shifts the reading frame from threonine 189.
Molecular consequence: frameshift variant. On other transcripts: non-coding transcript variant (1).
Genome position (GRCh38, 1-based): chr17:7,587,219-7,587,220, CA deleted; deleting any 2 consecutive bases within chr17:7,587,217-7,587,220 gives the same sequence; the c. name uses the placement nearest the transcript's 3' end. VCF-style (leftmost placement, unchanged base first): chr17-7587216-TCA-T. GRCh37 (hg19) VCF-style: chr17-7490534-TCA-T.
Other names: c.508_509del, p.Gln170fs (NM_001330073.1); c.566_567delCA (NM_004870.3); c.566_567del (NM_004870.3); short protein forms T189fs, Q170fs.
Identifiers: ClinVar variation 817696 (VCV000817696.2), dbSNP rs777696608, ClinGen allele CA8353000.

ClinVar aggregate classification (germline): Likely pathogenic (1 of 4 stars; one submission).

Submission:

GeneDx
Classification: Likely pathogenic. Last evaluated: 2023-12-27. Review status: criteria provided, single submitter. Criteria: GeneDx Variant Classification Process June 2021. Collection method: clinical testing. Allele origin: germline. Affected: yes.
Comment: Frameshift variant predicted to result in abnormal protein length as the last 59 amino acids are replaced with 111 different amino acids, and other similar variants have been reported in HGMD; Not observed at significant frequency in large population cohorts (gnomAD); Has not been previously published as pathogenic or benign to our knowledge